The following is an entry in ClinVar:

ClinVar aggregate classification (germline): Uncertain significance (1 of 4 stars; one submission).

Conditions:
Hereditary spastic paraplegia 11. Also called: Spastic paraplegia, mental retardation and thin corpus callosum; SPASTIC PARAPLEGIA, AUTOSOMAL RECESSIVE, COMPLICATED, WITH THIN CORPUS CALLOSUM; SPASTIC PARAPLEGIA, AUTOSOMAL RECESSIVE, WITH MENTAL IMPAIRMENT AND THIN CORPUS CALLOSUM; Nakamura Osame syndrome; Autosomal recessive hereditary spastic paraplegia, mental impairment, and thin corpus callosum; Spastic Paraplegia 11. Identifiers: Orphanet 2822, MedGen C1858479, MONDO:0011445, OMIM 604360.

Allele frequency attached by ClinVar (database versions not stated): ExAC 0.00001; gnomAD 0.00001; gnomAD exomes 0.00001; TOPMed 0.00002.
gnomAD v4.1: 9 of 1,613,976 alleles (0.00056%); highest among the groups gnomAD compares: Admixed American, 0.005%; no homozygotes.

Submission:

Labcorp Genetics (formerly Invitae), Labcorp
Classification: Uncertain significance for Hereditary spastic paraplegia 11. Last evaluated: 2022-09-27. Review status: criteria provided, single submitter. Criteria: Invitae Variant Classification Sherloc (09022015). Collection method: clinical testing. Allele origin: germline.
Comment: This sequence change replaces alanine, which is neutral and non-polar, with threonine, which is neutral and polar, at codon 280 of the SPG11 protein (p.Ala280Thr). This variant is present in population databases (rs757501528, gnomAD 0.006%). This variant has not been reported in the literature in individuals affected with SPG11-related conditions. ClinVar contains an entry for this variant (Variation ID: 569817). Advanced modeling of protein sequence and biophysical properties (such as structural, functional, and spatial information, amino acid conservation, physicochemical variation, residue mobility, and thermodynamic stability) performed at Invitae indicates that this missense variant is not expected to disrupt SPG11 protein function. In summary, the available evidence is currently insufficient to determine the role of this variant in disease. Therefore, it has been classified as a Variant of Uncertain Significance.

NM_025137.4(SPG11):c.838G>A (p.Ala280Thr)

Gene: SPG11 (SPG11 vesicle trafficking associated, spatacsin; minus strand). Cytogenetic location: 15q21.1.
Variant type: single nucleotide variant.
Coding change: c.838G>A on transcript NM_025137.4 (MANE Select); coding-DNA position 838, G replaced by A.
Protein change: p.Ala280Thr; replaces alanine 280 with threonine.
Molecular consequence: missense variant.
Genome position (GRCh38, 1-based): chr15:44,657,126, C>T on the plus strand (G>A on the coding strand, the complement: SPG11 is on the minus strand). VCF-style: chr15-44657126-C-T. GRCh37 (hg19) VCF-style: chr15-44949324-C-T.
Other names: c.838G>A, p.Ala280Thr (NM_001160227.2); short protein forms A280T.
Identifiers: ClinVar variation 569817 (VCV000569817.4), dbSNP rs757501528, ClinGen allele CA7535707.